The following is an entry in ClinVar:

NM_001458.5(FLNC):c.6571A>C (p.Thr2191Pro)

Genes: FLNC (filamin C; plus strand), FLNC-AS1 (FLNC antisense RNA 1; minus strand). Cytogenetic location: 7q32.1.
Variant type: single nucleotide variant.
Coding change: c.6571A>C on transcript NM_001458.5 (MANE Select); coding-DNA position 6571, A replaced by C.
Protein change: p.Thr2191Pro; replaces threonine 2191 with proline.
Molecular consequence: missense variant.
Genome position (GRCh38, 1-based): chr7:128,854,060, A>C. VCF-style: chr7-128854060-A-C. GRCh37 (hg19) VCF-style: chr7-128494114-A-C.
Other names: c.6472A>C, p.Thr2158Pro (NM_001127487.2); short protein forms T2158P, T2191P.
Identifiers: ClinVar variation 2565535 (VCV002565535.2), dbSNP rs2536663735, ClinGen allele CA369212842.

ClinVar aggregate classification (germline): Uncertain significance (1 of 4 stars; one submission).

Conditions:
Cardiovascular phenotype. Identifiers: MedGen CN230736.

Submission:

Ambry Genetics
Classification: Uncertain significance for Cardiovascular phenotype. Last evaluated: 2023-06-12. Review status: criteria provided, single submitter. Criteria: Ambry Variant Classification Scheme 2023. Collection method: clinical testing. Allele origin: germline.
Comment: The p.T2191P variant (also known as c.6571A>C), located in coding exon 40 of the FLNC gene, results from an A to C substitution at nucleotide position 6571. The threonine at codon 2191 is replaced by proline, an amino acid with highly similar properties. This amino acid position is conserved. In addition, this alteration is predicted to be deleterious by in silico analysis. Since supporting evidence is limited at this time, the clinical significance of this alteration remains unclear.